The following is an entry in ClinVar:

NM_182643.3(DLC1):c.3269C>T (p.Pro1090Leu)

Gene: DLC1 (DLC1 Rho GTPase activating protein; minus strand). Cytogenetic location: 8p22.
Variant type: single nucleotide variant.
Coding change: c.3269C>T on transcript NM_182643.3 (MANE Select); coding-DNA position 3269, C replaced by T.
Protein change: p.Pro1090Leu; replaces proline 1090 with leucine.
Molecular consequence: missense variant.
Genome position (GRCh38, 1-based): chr8:13,095,144, G>A on the plus strand (C>T on the coding strand, the complement: DLC1 is on the minus strand). VCF-style: chr8-13095144-G-A. GRCh37 (hg19) VCF-style: chr8-12952653-G-A.
Other names: c.1736C>T, p.Pro579Leu (NM_001164271.2, NM_001348082.2, NM_001348083.1 and 6 more transcripts); c.2060C>T, p.Pro687Leu (NM_001316668.2, NM_001413129.1); c.3269C>T, p.Pro1090Leu (NM_001348081.2, NM_001413124.1); c.2051C>T, p.Pro684Leu (NM_001413130.1); c.1709C>T, p.Pro570Leu (NM_001413131.1, NM_001413137.1); c.2195C>T, p.Pro732Leu (NM_001413132.1); c.1958C>T, p.Pro653Leu (NM_001413135.1, NM_001413136.1, NM_001413139.1 and 1 more transcripts); c.2093C>T, p.Pro698Leu (NM_001413140.1); short protein forms P1090L, P570L, P579L, P653L, P684L, P687L, P698L, P732L.
Identifiers: ClinVar variation 2658433 (VCV002658433.24), dbSNP rs762024872, ClinGen allele CA4638403.
Genomic context (GRCh38, chr8:13,095,144, plus strand): 5'-ACCTGATCCAAACAATGGTTCCGGAGGTATCGCATGGCCTGCTGGATGCTCTGAGGCAAC[G>A]GTTGTCCTGTGCGCTGCACGTTGACCGTCAGTGGGACCCCAAACACACTCCGGTCCTTGT-3'
Protein context (NP_872584.2, residues 1080-1100): LTVNVQRTGQ[Pro1090Leu]LPQSIQQAMR

ClinVar aggregate classification (germline): Uncertain significance (1 of 4 stars; one submission).

Allele frequency attached by ClinVar (database versions not stated): TOPMed below 0.00001; ExAC 0.00001; gnomAD 0.00001.
gnomAD v4.1: 6 of 1,614,132 alleles (0.00037%); highest among the groups gnomAD compares: South Asian, 0.0022%; no homozygotes.

Submission:

CeGaT Center for Human Genetics Tuebingen
Classification: Uncertain significance. Last evaluated: 2023-07-01. Review status: criteria provided, single submitter. Criteria: CeGaT Center For Human Genetics Tuebingen Variant Classification Criteria Version 2. Collection method: clinical testing. Allele origin: germline. Affected: yes. Observed: 1 variant allele.
Comment: DLC1: PM2